The following is an entry in ClinVar:

ClinVar aggregate classification (germline): Uncertain significance (1 of 4 stars; one submission).

Allele frequency attached by ClinVar (database versions not stated): gnomAD 0.00001; TOPMed 0.00001.
gnomAD v4.1: 2 of 1,613,978 alleles (0.00012%); highest among the groups gnomAD compares: Non-Finnish European, 0.000085%; no homozygotes.

Submission:

GeneDx
Classification: Uncertain significance. Last evaluated: 2023-03-01. Review status: criteria provided, single submitter. Criteria: GeneDx Variant Classification Process June 2021. Collection method: clinical testing. Allele origin: germline. Affected: yes.
Comment: Not observed at significant frequency in large population cohorts (gnomAD); In silico analysis supports that this missense variant has a deleterious effect on protein structure/function; Has not been previously published as pathogenic or benign to our knowledge

NM_002291.3(LAMB1):c.4825G>A (p.Ala1609Thr)

Gene: LAMB1 (laminin subunit beta 1; minus strand). Cytogenetic location: 7q31.1.
Variant type: single nucleotide variant.
Coding change: c.4825G>A on transcript NM_002291.3 (MANE Select); coding-DNA position 4825, G replaced by A.
Protein change: p.Ala1609Thr; replaces alanine 1609 with threonine.
Molecular consequence: missense variant.
Genome position (GRCh38, 1-based): chr7:107,929,126, C>T on the plus strand (G>A on the coding strand, the complement: LAMB1 is on the minus strand). VCF-style: chr7-107929126-C-T. GRCh37 (hg19) VCF-style: chr7-107569571-C-T.
Other names: short protein forms A1609T.
Identifiers: ClinVar variation 2578083 (VCV002578083.1), dbSNP rs41281045, ClinGen allele CA164267158.